The following is an entry in ClinVar:

ClinVar aggregate classification (germline): Pathogenic/Likely pathogenic. Review status: criteria provided, multiple submitters, no conflicts (2 of 4 stars). 5 submissions from 5 submitters: Pathogenic (3); Likely pathogenic (2). Last evaluated 2025-12-01.

Conditions:
Nemaline myopathy 2 (NEM2). Also called: Nemaline myopathy 2, autosomal recessive. Identifiers: MedGen C1850569, MONDO:0009725, OMIM 256030.
Arthrogryposis multiplex congenita 6. Identifiers: MedGen C5543431, MONDO:0030281, OMIM 619334.
Nemaline myopathy. Also called: Myopathies, Nemaline. Identifiers: Orphanet 607, MedGen C0206157, MONDO:0018958.

Submissions (5):

Labcorp Genetics (formerly Invitae), Labcorp
Classification: Pathogenic for Nemaline myopathy 2. Last evaluated: 2025-12-01. Review status: criteria provided, single submitter. Criteria: Invitae Variant Classification Sherloc (09022015). Collection method: clinical testing. Allele origin: germline.
Comment: This sequence change creates a premature translational stop signal (p.Lys6992Serfs*4) in the NEB gene. It is expected to result in an absent or disrupted protein product. Loss-of-function variants in NEB are known to be pathogenic (PMID: 25205138). This variant is present in population databases (no rsID available, gnomAD 0.007%). This premature translational stop signal has been observed in individual(s) with nemaline myopathy (PMID: 16917880). This variant is also known as g.194994_194995delAA(p.Lys5291fs). ClinVar contains an entry for this variant (Variation ID: 1339664). For these reasons, this variant has been classified as Pathogenic.

Natera, Inc.
Classification: Pathogenic for Nemaline myopathy type 2. Last evaluated: 2025-11-20. Review status: criteria provided, single submitter. Criteria: Natera Variant Classification Schema (03/2026). Collection method: clinical testing. Allele origin: germline.
Comment: The c.20975_20976del variant in NEB is a frameshift variant predicted to shift the reading frame beginning at codon 6992 and leads to a stop codon 4 codons downstream. This variant is expected to result in nonsense mediated decay, truncation, or a dysfunctional protein product. This variant is rare in the general population with a frequency below the threshold expected for the associated phenotype(s). This variant has been observed in one or more individuals affected with the associated recessive disease, as either homozygous or compound heterozygous with a second variant (PMID: 16917880). Given the available evidence, this variant is classified as Pathogenic.

Broad Center for Mendelian Genomics, Broad Institute of MIT and Harvard
Classification: Pathogenic for Nemaline myopathy. Last evaluated: 2025-03-04. Review status: criteria provided, single submitter. Criteria: ACMG Guidelines, 2015. Collection method: curation. Allele origin: germline. Inheritance: Autosomal recessive inheritance.
Comment: The p.Lys6992SerfsTer4 variant in NEB has been reported, in the compound heterozygous state, in one individual with nemaline myopathy (PMID: 16917880), and has been identified in 0.003% (1/33382) of African/African American chromosomes by the Genome Aggregation Database (gnomAD; dbSNP ID: rs779881258). Although this variant has been seen in the general population in a heterozygous state, its frequency is low enough to be consistent with a recessive carrier frequency. This variant has also been reported in ClinVar (Variation ID: 1339664) and has been interpreted as likely pathogenic by Women's Health and Genetics/Laboratory Corporation of America. This variant is predicted to cause a frameshift, which alters the protein‚Äôs amino acid sequence beginning at position 6992 and leads to a premature termination codon 4 amino acids downstream. This alteration is then predicted to lead to a truncated or absent protein. Loss of function of the NEB gene is an established disease mechanism in autosomal recessive nemaline myopathy. In summary, this variant meets criteria to be classified as pathogenic for autosomal recessive nemaline myopathy. ACMG/AMP Criteria applied: PVS1, PM3, PM2_supporting (Richards 2015).

Fulgent Genetics
Classification: Likely pathogenic for Nemaline myopathy 2; Arthrogryposis multiplex congenita 6. Last evaluated: 2024-03-16. Review status: criteria provided, single submitter. Criteria: ACMG Guidelines, 2015. Collection method: clinical testing. Allele origin: germline.

Women's Health and Genetics/Laboratory Corporation of America, LabCorp
Classification: Likely pathogenic for Nemaline myopathy. Last evaluated: 2022-01-09. Review status: criteria provided, single submitter. Criteria: LabCorp Variant Classification Summary - May 2015. Collection method: clinical testing. Allele origin: germline.
Comment: Variant summary: NEB c.20975_20976delAA (p.Lys6992SerfsX4) results in a premature termination codon, predicted to cause a truncation of the encoded protein or absence of the protein due to nonsense mediated decay, which are commonly known mechanisms for disease. Truncations downstream of this position have been classified as pathogenic by our laboratory. The variant allele was found at a frequency of 4e-06 in 248438 control chromosomes. c.20975_20976delAA has been reported in the literature as a compound heterozygous genotype in at-least one individual affected with Nemaline Myopathy 2 (example, Lehtokari_2006). To our knowledge, no experimental evidence demonstrating an impact on protein function has been reported. No clinical diagnostic laboratories have submitted clinical-significance assessments for this variant to ClinVar after 2014. Based on the evidence outlined above, the variant was classified as likely pathogenic.

Literature cited by the submitters: PubMed 25205138 (cited by Labcorp Genetics (formerly Invitae), Labcorp); PubMed 16917880 (cited by 3 submitters).

NM_001164508.2(NEB):c.20975_20976del (p.Lys6992fs)

Gene: NEB (nebulin; minus strand). Cytogenetic location: 2q23.3.
Variant type: Deletion.
Coding change: c.20975_20976del on transcript NM_001164508.2 (MANE Select); coding-DNA positions 20975 to 20976, 2 bases deleted (AA; older notation c.20975_20976delAA).
Protein change: p.Lys6992fs; shifts the reading frame from lysine 6992.
Molecular consequence: frameshift variant.
Genome position (GRCh38, 1-based): chr2:151,538,161-151,538,162, TT deleted on the plus strand (AA on the coding strand, the reverse complement: NEB is on the minus strand); deleting any 2 consecutive bases within chr2:151,538,161-151,538,163 gives the same sequence; the c. name uses the placement nearest the transcript's 3' end. VCF-style (leftmost placement, unchanged base first): chr2-151538160-CTT-C. GRCh37 (hg19) VCF-style: chr2-152394674-CTT-C.
Other names: NM_001164508.2(NEB):c.20975_20976del; p.Lys6992fs; c.20975_20976del (NM_001271208.1); c.20975_20976del, p.Lys6992fs (NM_001164507.2, NM_001271208.2); c.15872_15873del, p.Lys5291fs (NM_004543.5); short protein forms K5291fs, K6992fs.
Identifiers: ClinVar variation 1339664 (VCV001339664.7), dbSNP rs1559680233, ClinGen allele CA536640469.